The following is an entry in ClinVar:

NM_001457.4(FLNB):c.3991G>T (p.Val1331Leu)

Gene: FLNB (filamin B; plus strand). Cytogenetic location: 3p14.3.
Variant type: single nucleotide variant.
Coding change: c.3991G>T on transcript NM_001457.4 (MANE Select); coding-DNA position 3991, G replaced by T.
Protein change: p.Val1331Leu; replaces valine 1331 with leucine.
Molecular consequence: missense variant.
Genome position (GRCh38, 1-based): chr3:58,125,673, G>T. VCF-style: chr3-58125673-G-T. GRCh37 (hg19) VCF-style: chr3-58111400-G-T.
Other names: c.3991G>T, p.Val1331Leu (NM_001164317.2, NM_001164318.2, NM_001164319.2); short protein forms V1331L.
Identifiers: ClinVar variation 4695355 (VCV004695355.1).
Genomic context (GRCh38, chr3:58,125,673, plus strand): 5'-GTGCCTATCCCAAACAGTCCCTTCAAGGTGGCTGTCACTGAAGGCTGCCAGCCATCTAGG[G>T]TGCAAGCCCAAGGACCTGGATTGAAAGAGGCCTTTACCAACAAGCCCAATGTCTTCACCG-3'
Protein context (NP_001448.2, residues 1321-1341): AVTEGCQPSR[Val1331Leu]QAQGPGLKEA

ClinVar aggregate classification (germline): Uncertain significance (1 of 4 stars; one submission).

Submission:

Labcorp Genetics (formerly Invitae), Labcorp
Classification: Uncertain significance. Last evaluated: 2025-12-17. Review status: criteria provided, single submitter. Criteria: Invitae Variant Classification Sherloc (09022015). Collection method: clinical testing. Allele origin: germline.
Comment: This sequence change replaces valine, which is neutral and non-polar, with leucine, which is neutral and non-polar, at codon 1331 of the FLNB protein (p.Val1331Leu). This variant is not present in population databases (gnomAD no frequency). This variant has not been reported in the literature in individuals affected with FLNB-related conditions. Invitae Evidence Modeling of protein sequence and biophysical properties (such as structural, functional, and spatial information, amino acid conservation, physicochemical variation, residue mobility, and thermodynamic stability) indicates that this missense variant is not expected to disrupt FLNB protein function with a negative predictive value of 95%. In summary, the available evidence is currently insufficient to determine the role of this variant in disease. Therefore, it has been classified as a Variant of Uncertain Significance.